The following is an entry in ClinVar:

ClinVar aggregate classification (germline): Uncertain significance (1 of 4 stars; one submission).

Conditions:
Primary ciliary dyskinesia. Also called: Ciliary dyskinesia. Identifiers: Orphanet 244, MedGen C0008780, MONDO:0016575, HP:0012265.

Submission:

Ambry Genetics
Classification: Uncertain significance for Primary ciliary dyskinesia. Last evaluated: 2017-06-27. Review status: criteria provided, single submitter. Criteria: Ambry Variant Classification Scheme 2023. Collection method: clinical testing. Allele origin: germline.
Comment: The c.4117-5A>G intronic variant results from an A to G substitution 5 nucleotides upstream from coding exon 27 in the DNAH5 gene. This nucleotide position is poorly conserved in available vertebrate species. Using the BDGP and ESEfinder splice site prediction tools, this alteration is not predicted to have any significant effect on this splice acceptor/donor site; however, direct evidence is unavailable. Since supporting evidence is limited at this time, the clinical significance of this alteration remains unclear.

NM_001369.3(DNAH5):c.4117-5A>G

Genes: DNAH5 (dynein axonemal heavy chain 5; minus strand), DNAH5-AS1 (DNAH5 antisense RNA 1; plus strand). Cytogenetic location: 5p15.2.
Variant type: single nucleotide variant.
Coding change: c.4117-5A>G on transcript NM_001369.3 (MANE Select); 5 bases into the intron before coding-DNA position 4117, A replaced by G.
Molecular consequence: intron variant.
Genome position (GRCh38, 1-based): chr5:13,865,911, T>C on the plus strand (A>G on the coding strand, the complement: DNAH5 is on the minus strand). VCF-style: chr5-13865911-T-C. GRCh37 (hg19) VCF-style: chr5-13866020-T-C.
Identifiers: ClinVar variation 1737962 (VCV001737962.2), dbSNP rs1444994332, ClinGen allele CA1528475865.